The following is an entry in ClinVar:

ClinVar aggregate classification (germline): Uncertain significance (1 of 4 stars; one submission).

Conditions:
Progressive familial heart block type IB (PFHB1B). Identifiers: Orphanet 871, MedGen C1970298, MONDO:0011474, OMIM 604559.

Submission:

Labcorp Genetics (formerly Invitae), Labcorp
Classification: Uncertain significance for Progressive familial heart block type IB. Last evaluated: 2024-11-11. Review status: criteria provided, single submitter. Criteria: Invitae Variant Classification Sherloc (09022015). Collection method: clinical testing. Allele origin: germline.
Comment: This sequence change replaces threonine, which is neutral and polar, with serine, which is neutral and polar, at codon 318 of the TRPM4 protein (p.Thr318Ser). This variant is not present in population databases (gnomAD no frequency). This variant has not been reported in the literature in individuals affected with TRPM4-related conditions. An algorithm developed to predict the effect of missense changes on protein structure and function outputs the following: PolyPhen-2: "Benign". The serine amino acid residue is found in multiple mammalian species, which suggests that this missense change does not adversely affect protein function. In summary, the available evidence is currently insufficient to determine the role of this variant in disease. Therefore, it has been classified as a Variant of Uncertain Significance.

NM_017636.4(TRPM4):c.952A>T (p.Thr318Ser)

Gene: TRPM4 (transient receptor potential cation channel subfamily M member 4; plus strand). Cytogenetic location: 19q13.33.
Variant type: single nucleotide variant.
Coding change: c.952A>T on transcript NM_017636.4 (MANE Select); coding-DNA position 952, A replaced by T.
Protein change: p.Thr318Ser; replaces threonine 318 with serine.
Molecular consequence: missense variant. On other transcripts: 5 prime UTR variant (1).
Genome position (GRCh38, 1-based): chr19:49,171,671, A>T. VCF-style: chr19-49171671-A-T. GRCh37 (hg19) VCF-style: chr19-49674928-A-T.
Other names: c.952A>T, p.Thr318Ser (NM_001195227.2); c.607A>T, p.Thr203Ser (NM_001321281.2); c.-602A>T (NM_001321282.2); c.430A>T, p.Thr144Ser (NM_001321283.2); c.103A>T, p.Thr35Ser (NM_001321285.2); short protein forms T318S, T144S, T203S, T35S.
Identifiers: ClinVar variation 3725005 (VCV003725005.2).